The following is an entry in ClinVar:

NM_003107.3(SOX4):c.499_500insCGG (p.His166_Gly167insAla)

Gene: SOX4 (SRY-box transcription factor 4; plus strand). Cytogenetic location: 6p22.3.
Variant type: Insertion.
Coding change: c.499_500insCGG on transcript NM_003107.3 (MANE Select); coding-DNA positions 499 to 500, CGG inserted.
Protein change: p.His166_Gly167insAla.
Molecular consequence: inframe insertion.
Genome position: GRCh38 VCF-style: chr6-21595032-T-TGCG. GRCh37 (hg19) VCF-style: chr6-21595263-T-TGCG.
Identifiers: ClinVar variation 1341848 (VCV001341848.22), dbSNP rs542004893, ClinGen allele CA823025085.

ClinVar aggregate classification (germline): Conflicting classifications of pathogenicity. Review status: criteria provided, conflicting classifications (1 of 4 stars). 3 submissions from 3 submitters: Uncertain significance (2); Likely benign (1). Last evaluated 2026-04-01.

Conditions:
Coffin-Siris syndrome 10. Also called: INTELLECTUAL DEVELOPMENTAL DISORDER WITH SPEECH DELAY AND DYSMORPHIC FACIES. Identifiers: MedGen C4760583, MONDO:0032791, OMIM 618506.

Submissions (3):

CeGaT Center for Human Genetics Tuebingen
Classification: Likely benign. Last evaluated: 2026-04-01. Review status: criteria provided, single submitter. Criteria: CeGaT Center For Human Genetics Tuebingen Variant Classification Criteria Version 2. Collection method: clinical testing. Allele origin: germline. Affected: yes. Observed: 3 variant alleles.
Comment: SOX4: PM2, BS2

New York Genome Center
Classification: Uncertain significance for Coffin-Siris syndrome 10. Last evaluated: 2021-02-09. Review status: criteria provided, single submitter. Criteria: NYGC Assertion Criteria 2020. Collection method: clinical testing. Allele origin: inherited. Observed: 1 heterozygote. Study: CSER-NYCKidSeq.
Comment: The inherited c.499_500insCGG (p.His166_Gly167insAla) variant identified in the SOX4 gene is the in-frame insertion of a single Alanine between amino acids 166-167/475. While this specific variant is absent from gnomAD(v3.1) suggesting it is not a common benign variant in the populations represented in that database, there are other in-frame insertions and deletions present in this region. This variant is absent from ClinVar and to our current knowledge has not been reported in affected individuals in the literature. The p.His166 and p.Gly167 residues are not within a mapped domain of SOX4 and are C-terminal to the HMG domain in which pathogenic variants to date have been identified [PMID:30661772]. Given the lack of compelling evidence for its pathogenicity, the inherited c.499_500insCGG (p.His166_Gly167insAla) variant identified in the SOX4 gene is reported as a Variant of Uncertain Significance.

Breakthrough Genomics
Classification: Uncertain significance. Review status: criteria provided, single submitter. Criteria: ACMG Guidelines, 2015. Collection method: not provided. Allele origin: germline. Inheritance: Autosomal dominant inheritance. Affected: yes.